The following is an entry in ClinVar:

NM_001122764.3(PPOX):c.1072G>A (p.Gly358Arg)

Gene: PPOX (protoporphyrinogen oxidase; plus strand). Cytogenetic location: 1q23.3.
Variant type: single nucleotide variant.
Coding change: c.1072G>A on transcript NM_001122764.3 (MANE Select); coding-DNA position 1072, G replaced by A.
Protein change: p.Gly358Arg; replaces glycine 358 with arginine.
Molecular consequence: missense variant. On other transcripts: intron variant (1).
Genome position (GRCh38, 1-based): chr1:161,170,493, G>A. VCF-style: chr1-161170493-G-A. GRCh37 (hg19) VCF-style: chr1-161140283-G-A.
Other names: c.1072G>A (NM_001122764.1); c.1072G>A, p.Gly358Arg (NM_000309.5, NM_001365398.1); c.973G>A, p.Gly325Arg (NM_001350128.2); c.664G>A, p.Gly222Arg (NM_001350129.2, NM_001365400.1); c.586G>A, p.Gly196Arg (NM_001350130.2, NM_001350131.2, NM_001365401.1); c.988-127G>A (NM_001365399.1); short protein forms G325R, G222R, G196R, G358R.
Identifiers: ClinVar variation 915371 (VCV000915371.18), dbSNP rs374936130, ClinGen allele CA1207340.
Genomic context (GRCh38, chr1:161,170,493, plus strand): 5'-TCAGAAGATCCAGGAGTCCTGGGAATCGTGTATGACTCAGTTGCTTTCCCTGAGCAGGAC[G>A]GGAGCCCCCCTGGCCTCAGAGTGACTGTGAGGAGGAGGAAACTTTGCCTAGTGGCATTTC-3'
Protein context (NP_001116236.1, residues 348-368): YDSVAFPEQD[Gly358Arg]SPPGLRVTVM

ClinVar aggregate classification (germline): Conflicting classifications of pathogenicity. Review status: criteria provided, conflicting classifications (1 of 4 stars). 4 submissions from 4 submitters: Pathogenic (1); Uncertain significance (2). 1 of the submissions does not count toward it. Last evaluated 2021-11-03.

Conditions:
Variegate porphyria (VP). Also called: PORPHYRIA, SOUTH AFRICAN TYPE; PROTOPORPHYRINOGEN OXIDASE DEFICIENCY; PPOX DEFICIENCY. Identifiers: Orphanet 79473, MedGen C0162532, MONDO:0008297, OMIM 176200.
Variegate porphyria, childhood-onset (VPCO). Also called: VARIEGATE PORPHYRIA, HOMOZYGOUS VARIANT. Identifiers: MedGen C5882681, MONDO:0957577, OMIM 620483.

Allele frequency attached by ClinVar (database versions not stated): gnomAD 0.00001; gnomAD exomes 0.00001; TOPMed 0.00001.
gnomAD v4.1: 18 of 1,614,100 alleles (0.0011%); highest among the groups gnomAD compares: African/African-American, 0.0027%; no homozygotes.

Submissions (4):

Institute for Clinical Genetics, University Hospital TU Dresden, University Hospital TU Dresden
Classification: Uncertain significance. Last evaluated: 2021-11-03. Review status: criteria provided, single submitter. Criteria: ACMG Guidelines, 2015. Collection method: clinical testing. Allele origin: germline.

Labcorp Genetics (formerly Invitae), Labcorp
Classification: Uncertain significance. Last evaluated: 2020-10-07. Review status: criteria provided, single submitter. Criteria: Invitae Variant Classification Sherloc (09022015). Collection method: clinical testing. Allele origin: germline.
Comment: This variant is present in population databases (rs374936130, ExAC 0.006%). In summary, the available evidence is currently insufficient to determine the role of this variant in disease. Therefore, it has been classified as a Variant of Uncertain Significance. Experimental studies have shown that this variant affects PPOX protein function (PMID: 21048046, 9811936). This variant has been observed in individual(s) with variegate porphyria (PMID: 9540991, 9811936). ClinVar contains an entry for this variant (Variation ID: 915371). This sequence change replaces glycine with arginine at codon 358 of the PPOX protein (p.Gly358Arg). The glycine residue is moderately conserved and there is a moderate physicochemical difference between glycine and arginine.

Genomic Research Center, Shahid Beheshti University of Medical Sciences
Classification: Pathogenic for Variegate porphyria. Last evaluated: 2020-05-03. Review status: criteria provided, single submitter. Criteria: ACMG Guidelines, 2015. Collection method: clinical testing. Allele origin: unknown. Affected: yes.

OMIM
Classification: Pathogenic for VARIEGATE PORPHYRIA, CHILDHOOD-ONSET. Last evaluated: 2023-09-29. Review status: no assertion criteria provided. Collection method: literature only. Allele origin: germline. Not counted in ClinVar's aggregate classification.

Literature cited by the submitters: PubMed 21048046 (cited by Labcorp Genetics (formerly Invitae), Labcorp); PubMed 9811936 (cited by Labcorp Genetics (formerly Invitae), Labcorp); PubMed 9540991 (cited by Labcorp Genetics (formerly Invitae), Labcorp and OMIM).